The following is an entry in ClinVar:

NM_000138.5(FBN1):c.1015G>A (p.Ala339Thr)

Genes: FBN1 (fibrillin 1; minus strand), LOC113939944 (Sharpr-MPRA regulatory region 9539; plus strand). Cytogenetic location: 15q21.1.
Variant type: single nucleotide variant.
Coding change: c.1015G>A on transcript NM_000138.5 (MANE Select); coding-DNA position 1015, G replaced by A.
Protein change: p.Ala339Thr; replaces alanine 339 with threonine.
Molecular consequence: missense variant.
Genome position (GRCh38, 1-based): chr15:48,520,791, C>T on the plus strand (G>A on the coding strand, the complement: FBN1 is on the minus strand). VCF-style: chr15-48520791-C-T. GRCh37 (hg19) VCF-style: chr15-48812988-C-T.
Other names: short protein forms A339T.
Identifiers: ClinVar variation 1329352 (VCV001329352.4), dbSNP rs2141336224, ClinGen allele CA392347881.

ClinVar aggregate classification (germline): Uncertain significance. Review status: criteria provided, multiple submitters, no conflicts (2 of 4 stars). 3 submissions from 3 submitters: Uncertain significance (3). Last evaluated 2024-03-05.

Conditions:
Marfan syndrome (MFS). Also called: Marfan syndrome type 1; Marfan's syndrome; FBN1-Related Marfan Syndrome; MARFAN SYNDROME, TYPE I; Marfan syndrome, classic. Identifiers: Orphanet 284963, Orphanet 558, MedGen C0024796, MONDO:0007947, OMIM 154700.
Familial thoracic aortic aneurysm and aortic dissection (TAAD). Also called: Thoracic aortic aneurysms and dissections. Identifiers: Orphanet 91387, MedGen C4707243, MONDO:0019625.

Submissions (3):

All of Us Research Program, National Institutes of Health
Classification: Uncertain significance for Marfan syndrome. Last evaluated: 2024-03-05. Review status: criteria provided, single submitter. Criteria: ACMG Guidelines, 2015. Collection method: clinical testing. Allele origin: germline. Inheritance: Autosomal dominant inheritance. Observed: 1 variant allele, 1 heterozygote.
Comment: This study involves interpretation of variants in research participants for the purpose of population health screening. Participant phenotype was not available at the time of variant classification. Additional details can be found in publication PMID: 35346344, PMCID: PMC8962531

Labcorp Genetics (formerly Invitae), Labcorp
Classification: Uncertain significance for Marfan syndrome; Familial thoracic aortic aneurysm and aortic dissection. Last evaluated: 2022-10-14. Review status: criteria provided, single submitter. Criteria: Invitae Variant Classification Sherloc (09022015). Collection method: clinical testing. Allele origin: germline.
Comment: This sequence change replaces alanine, which is neutral and non-polar, with threonine, which is neutral and polar, at codon 339 of the FBN1 protein (p.Ala339Thr). This variant is not present in population databases (gnomAD no frequency). This variant has not been reported in the literature in individuals affected with FBN1-related conditions. ClinVar contains an entry for this variant (Variation ID: 1329352). Advanced modeling of protein sequence and biophysical properties (such as structural, functional, and spatial information, amino acid conservation, physicochemical variation, residue mobility, and thermodynamic stability) performed at Invitae indicates that this missense variant is not expected to disrupt FBN1 protein function. In summary, the available evidence is currently insufficient to determine the role of this variant in disease. Therefore, it has been classified as a Variant of Uncertain Significance.

CHEO Genetics Diagnostic Laboratory, Children's Hospital of Eastern Ontario
Classification: Uncertain significance for Familial thoracic aortic aneurysm and aortic dissection. Last evaluated: 2020-03-17. Review status: criteria provided, single submitter. Criteria: ACMG Guidelines, 2015. Collection method: clinical testing. Allele origin: germline.